The following is an entry in ClinVar:

NM_002449.5(MSX2):c.442C>T (p.Pro148Ser)

Gene: MSX2 (msh homeobox 2; plus strand). Cytogenetic location: 5q35.2.
Variant type: single nucleotide variant.
Coding change: c.442C>T on transcript NM_002449.5 (MANE Select); coding-DNA position 442, C replaced by T.
Protein change: p.Pro148Ser; replaces proline 148 with serine.
Molecular consequence: missense variant. On other transcripts: 3 prime UTR variant (1).
Genome position (GRCh38, 1-based): chr5:174,729,221, C>T. VCF-style: chr5-174729221-C-T. GRCh37 (hg19) VCF-style: chr5-174156224-C-T.
Other names: c.*66C>T (NM_001363626.2); short protein forms P148S.
Identifiers: ClinVar variation 639933 (VCV000639933.8), dbSNP rs1581520079, ClinGen allele CA362229886.

ClinVar aggregate classification (germline): Uncertain significance (1 of 4 stars; one submission).

Conditions:
Cranium bifidum occultum. Also called: Enlarged Parietal Foramina; CATLIN MARKS; CRANIUM BIFIDUM, HEREDITARY. Identifiers: MedGen C1868598, HP:0004423.

Submission:

Labcorp Genetics (formerly Invitae), Labcorp
Classification: Uncertain significance for Cranium bifidum occultum. Last evaluated: 2021-01-06. Review status: criteria provided, single submitter. Criteria: Invitae Variant Classification Sherloc (09022015). Collection method: clinical testing. Allele origin: germline.
Comment: This sequence change replaces proline with serine at codon 148 of the MSX2 protein (p.Pro148Ser). The proline residue is highly conserved and there is a moderate physicochemical difference between proline and serine. This variant is not present in population databases (ExAC no frequency). This variant has been reported in the literature in individuals affected with non-syndromic craniosynostosis (PMID: 28808027). Algorithms developed to predict the effect of missense changes on protein structure and function are either unavailable or do not agree on the potential impact of this missense change (SIFT: "Deleterious"; PolyPhen-2: "Probably Damaging"; Align-GVGD: "Class C15"). This variant disrupts the p.Pro148 amino acid residue in MSX2. Other variant(s) that disrupt this residue have been observed in affected individuals (PMID: 23918290, 23949913, 27884935), suggesting that it is a clinically significant residue. As a result, variants that disrupt this residue are likely to be causative of disease. In summary, the available evidence is currently insufficient to determine the role of this variant in disease. Therefore, it has been classified as a Variant of Uncertain Significance.

Literature cited by the submitters: PubMed 28808027; PubMed 23918290; PubMed 23949913; PubMed 27884935.